The following is an entry in ClinVar:

NM_016203.4(PRKAG2):c.1395G>C (p.Glu465Asp)

Gene: PRKAG2 (protein kinase AMP-activated non-catalytic subunit gamma 2; minus strand). Cytogenetic location: 7q36.1.
Variant type: single nucleotide variant.
Coding change: c.1395G>C on transcript NM_016203.4 (MANE Select); coding-DNA position 1395, G replaced by C.
Protein change: p.Glu465Asp; replaces glutamic acid 465 with aspartic acid.
Molecular consequence: missense variant.
Genome position (GRCh38, 1-based): chr7:151,565,724, C>G on the plus strand (G>C on the coding strand, the complement: PRKAG2 is on the minus strand). VCF-style: chr7-151565724-C-G. GRCh37 (hg19) VCF-style: chr7-151262810-C-G.
Other names: c.1263G>C, p.Glu421Asp (NM_001040633.2, NM_001407024.1); c.1020G>C, p.Glu340Asp (NM_001304527.2, NM_001407029.1); c.672G>C, p.Glu224Asp (NM_001304531.2, NM_001407034.1, NM_001407035.1 and 1 more transcripts); c.1023G>C, p.Glu341Asp (NM_001363698.2, NM_001407028.1); c.1395G>C, p.Glu465Asp (NM_001407021.1); c.1392G>C, p.Glu464Asp (NM_001407022.1, NM_001407023.1); c.1260G>C, p.Glu420Asp (NM_001407026.1, NM_001407027.1); c.1107G>C, p.Glu369Asp (NM_001407030.1); and 6 more; short protein forms E223D, E224D, E240D, E244D, E340D, E341D, E357D, E359D.
Identifiers: ClinVar variation 3071781 (VCV003071781.1), dbSNP rs756252375, ClinGen allele CA370070870.

ClinVar aggregate classification (germline): Uncertain significance (1 of 4 stars; one submission).

Conditions:
Hypertrophic cardiomyopathy. Also called: HYPERTROPHIC MYOCARDIOPATHY. Identifiers: Orphanet 217569, MedGen C0007194, MeSH D002312, MONDO:0005045, HP:0001639.

gnomAD v4.1: 13 of 1,613,410 alleles (0.00081%); highest among the groups gnomAD compares: Non-Finnish European, 0.0011%; no homozygotes.

Submission:

All of Us Research Program, National Institutes of Health
Classification: Uncertain significance for Hypertrophic cardiomyopathy. Last evaluated: 2023-06-26. Review status: criteria provided, single submitter. Criteria: ACMG Guidelines, 2015. Collection method: clinical testing. Allele origin: germline. Inheritance: Autosomal dominant inheritance. Observed: 2 variant alleles, 2 heterozygotes.
Comment: This missense variant replaces glutamic acid with aspartic acid at codon 465 of the PRKAG2 protein. Computational prediction suggests that this variant may not impact protein structure and function (internally defined REVEL score threshold <= 0.5, PMID: 27666373). To our knowledge, functional studies have not been reported for this variant. This variant has not been reported in individuals affected with PRKAG2-related disorders in the literature. This variant has been identified in 1/251484 chromosomes in the general population by the Genome Aggregation Database (gnomAD). The available evidence is insufficient to determine the role of this variant in disease conclusively. Therefore, this variant is classified as a Variant of Uncertain Significance.

This study involves interpretation of variants in research participants for the purpose of population health screening. Participant phenotype was not available at the time of variant classification. Additional details can be found in publication PMID: 35346344, PMCID: PMC8962531